The following is an entry in ClinVar:

ClinVar aggregate classification (germline): Uncertain significance. Review status: criteria provided, multiple submitters, no conflicts (2 of 4 stars). 2 submissions from 2 submitters: Uncertain significance (2). Last evaluated 2025-05-05.

Conditions:
Inborn genetic diseases. Identifiers: MedGen C0950123, MeSH D030342.

Allele frequency attached by ClinVar (database versions not stated): ExAC 0.00002; gnomAD 0.00005.
gnomAD v4.1: 29 of 1,582,844 alleles (0.0018%); highest among the groups gnomAD compares: Admixed American, 0.023%; 1 homozygote.

Submissions (2):

Ambry Genetics
Classification: Uncertain significance for Inborn genetic diseases. Last evaluated: 2025-05-05. Review status: criteria provided, single submitter. Criteria: Ambry Variant Classification Scheme 2023. Collection method: clinical testing. Allele origin: germline.

Labcorp Genetics (formerly Invitae), Labcorp
Classification: Uncertain significance. Last evaluated: 2024-10-15. Review status: criteria provided, single submitter. Criteria: Invitae Variant Classification Sherloc (09022015). Collection method: clinical testing. Allele origin: germline.
Comment: This sequence change replaces cysteine, which is neutral and slightly polar, with arginine, which is basic and polar, at codon 375 of the CEP135 protein (p.Cys375Arg). This variant is present in population databases (rs774120805, gnomAD 0.008%). This variant has not been reported in the literature in individuals affected with CEP135-related conditions. ClinVar contains an entry for this variant (Variation ID: 2179581). An algorithm developed to predict the effect of missense changes on protein structure and function (PolyPhen-2) suggests that this variant¬†is likely to be tolerated. In summary, the available evidence is currently insufficient to determine the role of this variant in disease. Therefore, it has been classified as a Variant of Uncertain Significance.

NM_025009.5(CEP135):c.1123T>C (p.Cys375Arg)

Gene: CEP135 (centrosomal protein 135; plus strand). Cytogenetic location: 4q12.
Variant type: single nucleotide variant.
Coding change: c.1123T>C on transcript NM_025009.5 (MANE Select); coding-DNA position 1123, T replaced by C.
Protein change: p.Cys375Arg; replaces cysteine 375 with arginine.
Molecular consequence: missense variant.
Genome position (GRCh38, 1-based): chr4:55,971,282, T>C. VCF-style: chr4-55971282-T-C. GRCh37 (hg19) VCF-style: chr4-56837448-T-C.
Other names: c.1123T>C (NM_025009.3); short protein forms C375R.
Identifiers: ClinVar variation 2179581 (VCV002179581.5), dbSNP rs774120805, ClinGen allele CA2927785.